The following is an entry in ClinVar:

ClinVar aggregate classification (germline): Uncertain significance (1 of 4 stars; one submission).

gnomAD v4.1: 11 of 1,609,032 alleles (0.00068%); highest among the groups gnomAD compares: Middle Eastern, 0.017%; no homozygotes.

Submission:

Labcorp Genetics (formerly Invitae), Labcorp
Classification: Uncertain significance. Last evaluated: 2025-08-21. Review status: criteria provided, single submitter. Criteria: Invitae Variant Classification Sherloc (09022015). Collection method: clinical testing. Allele origin: germline.
Comment: This sequence change replaces arginine, which is basic and polar, with tryptophan, which is neutral and slightly polar, at codon 22 of the GLYCTK protein (p.Arg22Trp). This variant is present in population databases (rs368685090, gnomAD 0.01%). This variant has not been reported in the literature in individuals affected with GLYCTK-related conditions. ClinVar contains an entry for this variant (Variation ID: 1386071). An algorithm developed to predict the effect of missense changes on protein structure and function outputs the following: PolyPhen-2: "Benign". The tryptophan amino acid residue is found in multiple mammalian species, which suggests that this missense change does not adversely affect protein function. In summary, the available evidence is currently insufficient to determine the role of this variant in disease. Therefore, it has been classified as a Variant of Uncertain Significance.

NM_145262.4(GLYCTK):c.64C>T (p.Arg22Trp)

Gene: GLYCTK (glycerate kinase; plus strand). Cytogenetic location: 3p21.2.
Variant type: single nucleotide variant.
Coding change: c.64C>T on transcript NM_145262.4 (MANE Select); coding-DNA position 64, C replaced by T.
Protein change: p.Arg22Trp; replaces arginine 22 with tryptophan.
Molecular consequence: missense variant. On other transcripts: non-coding transcript variant (3).
Genome position (GRCh38, 1-based): chr3:52,290,406, C>T. VCF-style: chr3-52290406-C-T. GRCh37 (hg19) VCF-style: chr3-52324422-C-T.
Other names: c.64C>T, p.Arg22Trp (NM_001144951.2); short protein forms R22W.
Identifiers: ClinVar variation 1386071 (VCV001386071.6), dbSNP rs368685090, ClinGen allele CA2431983.